The following is an entry in ClinVar:

NM_019066.5(MAGEL2):c.3059T>C (p.Leu1020Ser)

Gene: MAGEL2 (MAGE family member L2; minus strand). Cytogenetic location: 15q11.2.
Variant type: single nucleotide variant.
Coding change: c.3059T>C on transcript NM_019066.5 (MANE Select); coding-DNA position 3059, T replaced by C.
Protein change: p.Leu1020Ser; replaces leucine 1020 with serine.
Molecular consequence: missense variant.
Genome position (GRCh38, 1-based): chr15:23,644,684, A>G on the plus strand (T>C on the coding strand, the complement: MAGEL2 is on the minus strand). VCF-style: chr15-23644684-A-G. GRCh37 (hg19) VCF-style: chr15-23889831-A-G.
Other names: short protein forms L1020S.
Identifiers: ClinVar variation 3614013 (VCV003614013.2).

ClinVar aggregate classification (germline): Uncertain significance (1 of 4 stars; one submission).

gnomAD v4.1: 6 of 1,613,696 alleles (0.00037%); highest among the groups gnomAD compares: Non-Finnish European, 0.00042%; no homozygotes.

Submission:

Labcorp Genetics (formerly Invitae), Labcorp
Classification: Uncertain significance. Last evaluated: 2024-08-08. Review status: criteria provided, single submitter. Criteria: Invitae Variant Classification Sherloc (09022015). Collection method: clinical testing. Allele origin: germline.
Comment: This sequence change replaces leucine, which is neutral and non-polar, with serine, which is neutral and polar, at codon 1020 of the MAGEL2 protein (p.Leu1020Ser). This variant is not present in population databases (gnomAD no frequency). This variant has not been reported in the literature in individuals affected with MAGEL2-related conditions. Advanced modeling of protein sequence and biophysical properties (such as structural, functional, and spatial information, amino acid conservation, physicochemical variation, residue mobility, and thermodynamic stability) performed at Invitae indicates that this missense variant is not expected to disrupt MAGEL2 protein function with a negative predictive value of 80%. In summary, the available evidence is currently insufficient to determine the role of this variant in disease. Therefore, it has been classified as a Variant of Uncertain Significance.